The following is an entry in ClinVar:

ClinVar aggregate classification (germline): Uncertain significance. Review status: criteria provided, multiple submitters, no conflicts (2 of 4 stars). 2 submissions from 2 submitters: Uncertain significance (2). Last evaluated 2026-02-12.

Conditions:
Hereditary cancer-predisposing syndrome. Also called: Hereditary Cancer Syndrome; Neoplastic Syndromes, Hereditary; Tumor predisposition; Hereditary neoplastic syndrome. Identifiers: Orphanet 140162, MedGen C0027672, MeSH D009386, MONDO:0015356.
Familial meningioma. Also called: Meningioma, familial, susceptibility to. Identifiers: Orphanet 263662, MedGen C3551915, MONDO:0011789, OMIM 607174.

Submissions (2):

Ambry Genetics
Classification: Uncertain significance for Hereditary cancer-predisposing syndrome. Last evaluated: 2026-02-12. Review status: criteria provided, single submitter. Criteria: Ambry Variant Classification Scheme 2023. Collection method: clinical testing. Allele origin: germline.
Comment: The p.R313G variant (also known as c.937C>G), located in coding exon 9 of the SMARCE1 gene, results from a C to G substitution at nucleotide position 937. The arginine at codon 313 is replaced by glycine, an amino acid with dissimilar properties. This amino acid position is well conserved in available vertebrate species. In addition, this alteration is predicted to be tolerated by in silico analysis. Based on the available evidence, the clinical significance of this variant remains unclear.

Labcorp Genetics (formerly Invitae), Labcorp
Classification: Uncertain significance for Familial meningioma. Last evaluated: 2024-08-15. Review status: criteria provided, single submitter. Criteria: Invitae Variant Classification Sherloc (09022015). Collection method: clinical testing. Allele origin: germline.
Comment: This sequence change replaces arginine, which is basic and polar, with glycine, which is neutral and non-polar, at codon 313 of the SMARCE1 protein (p.Arg313Gly). This variant is not present in population databases (gnomAD no frequency). This variant has not been reported in the literature in individuals affected with SMARCE1-related conditions. Invitae Evidence Modeling of protein sequence and biophysical properties (such as structural, functional, and spatial information, amino acid conservation, physicochemical variation, residue mobility, and thermodynamic stability) indicates that this missense variant is not expected to disrupt SMARCE1 protein function with a negative predictive value of 80%. In summary, the available evidence is currently insufficient to determine the role of this variant in disease. Therefore, it has been classified as a Variant of Uncertain Significance.

NM_003079.5(SMARCE1):c.937C>G (p.Arg313Gly)

Gene: SMARCE1 (SWI/SNF related BAF chromatin remodeling complex subunit E1; minus strand). Cytogenetic location: 17q21.2.
Variant type: single nucleotide variant.
Coding change: c.937C>G on transcript NM_003079.5 (MANE Select); coding-DNA position 937, C replaced by G.
Protein change: p.Arg313Gly; replaces arginine 313 with glycine.
Molecular consequence: missense variant.
Genome position (GRCh38, 1-based): chr17:40,630,804, G>C on the plus strand (C>G on the coding strand, the complement: SMARCE1 is on the minus strand). VCF-style: chr17-40630804-G-C. GRCh37 (hg19) VCF-style: chr17-38787056-G-C.
Other names: short protein forms R313G.
Identifiers: ClinVar variation 3662539 (VCV003662539.3).
Genomic context (GRCh38, chr17:40,630,804, plus strand): 5'-TCTTCTCCTCGCCTTTGTTAGCTGCTTGTTCTTCCTCAGGAACGATGCTGCTCTGACTGC[G>C]CTCAGCTTGCTCTGCGGCCTCCTTCTCCCTTTCCTCCTGCCTTTTGCGGGCCTGTTCCTC-3'
Protein context (NP_003070.3, residues 303-323): REKEAAEQAE[Arg313Gly]SQSSIVPEEE